The following is an entry in ClinVar:

NM_005004.4(NDUFB8):c.21G>C (p.Gly7=)

Gene: NDUFB8 (NADH:ubiquinone oxidoreductase subunit B8; minus strand). Cytogenetic location: 10q24.31.
Variant type: single nucleotide variant.
Coding change: c.21G>C on transcript NM_005004.4 (MANE Select); coding-DNA position 21, G replaced by C.
Protein change: p.Gly7=; no amino-acid change (glycine 7 retained).
Molecular consequence: synonymous variant. On other transcripts: intron variant (1).
Genome position (GRCh38, 1-based): chr10:100,529,831, C>G on the plus strand (G>C on the coding strand, the complement: NDUFB8 is on the minus strand). VCF-style: chr10-100529831-C-G. GRCh37 (hg19) VCF-style: chr10-102289588-C-G.
Other names: c.21G>C, p.Gly7= (NM_001284367.2); c.-9+27G>C (NM_001284368.1); c.21G>C (NM_005004.3).
Identifiers: ClinVar variation 1570710 (VCV001570710.27), dbSNP rs748828360, ClinGen allele CA5650302.

ClinVar aggregate classification (germline): Likely benign. Review status: criteria provided, multiple submitters, no conflicts (2 of 4 stars). 3 submissions from 3 submitters: Likely benign (2). 1 of the submissions does not count toward it. Last evaluated 2025-10-02.

Conditions:
NDUFB8-related disorder. Also called: NDUFB8-related condition.

Allele frequency attached by ClinVar (database versions not stated): gnomAD exomes 0.00022; ExAC 0.00023; gnomAD 0.00026 and 0.00027.

Submissions (3):

Labcorp Genetics (formerly Invitae), Labcorp
Classification: Likely benign. Last evaluated: 2025-10-02. Review status: criteria provided, single submitter. Criteria: Invitae Variant Classification Sherloc (09022015). Collection method: clinical testing. Allele origin: germline.

CeGaT Center for Human Genetics Tuebingen
Classification: Likely benign. Last evaluated: 2024-06-01. Review status: criteria provided, single submitter. Criteria: CeGaT Center For Human Genetics Tuebingen Variant Classification Criteria Version 2. Collection method: clinical testing. Allele origin: germline. Affected: yes. Observed: 1 variant allele.
Comment: NDUFB8: BP4

PreventionGenetics, part of Exact Sciences
Classification: Likely benign for NDUFB8-related condition. Last evaluated: 2019-04-03. Review status: no assertion criteria provided. Collection method: clinical testing. Allele origin: germline. Not counted in ClinVar's aggregate classification.
Comment: This variant is classified as likely benign based on ACMG/AMP sequence variant interpretation guidelines (Richards et al. 2015 PMID: 25741868, with internal and published modifications).